The following is an entry in ClinVar:

NM_001002295.2(GATA3):c.1043T>C (p.Leu348Pro)

Gene: GATA3 (GATA binding protein 3; plus strand). Cytogenetic location: 10p14.
Variant type: single nucleotide variant.
Coding change: c.1043T>C on transcript NM_001002295.2 (MANE Select); coding-DNA position 1043, T replaced by C.
Protein change: p.Leu348Pro; replaces leucine 348 with proline.
Molecular consequence: missense variant.
Genome position (GRCh38, 1-based): chr10:8,069,591, T>C. VCF-style: chr10-8069591-T-C. GRCh37 (hg19) VCF-style: chr10-8111554-T-C.
Other names: c.1040T>C, p.Leu347Pro (NM_002051.3); short protein forms L347P, L348P.
Identifiers: ClinVar variation 1809926 (VCV001809926.1), dbSNP rs2131512394, ClinGen allele CA375975181.
Genomic context (GRCh38, chr10:8,069,591, plus strand): 5'-TCTGGAGGAGGAATGCCAATGGGGACCCTGTCTGCAATGCCTGTGGGCTCTACTACAAGC[T>C]TCACAATGTAAGTGGACTGGGATCAGCAAGAACAGGGCTCGCTTCCTGATGGTGACCAGC-3'
Protein context (NP_001002295.1, residues 338-358): VCNACGLYYK[Leu348Pro]HNINRPLTMK

ClinVar aggregate classification (germline): Uncertain significance (1 of 4 stars; one submission).

Submission:

GeneDx
Classification: Uncertain significance. Last evaluated: 2022-06-28. Review status: criteria provided, single submitter. Criteria: GeneDx Variant Classification Process June 2021. Collection method: clinical testing. Allele origin: germline. Affected: yes.
Comment: Not observed at significant frequency in large population cohorts (gnomAD); In silico analysis supports that this missense variant has a deleterious effect on protein structure/function; Has not been previously published as pathogenic or benign to our knowledge